The following is an entry in ClinVar:

NM_004183.4(BEST1):c.1101-1G>C

Gene: BEST1 (bestrophin 1; plus strand). Cytogenetic location: 11q12.3.
Variant type: single nucleotide variant.
Coding change: c.1101-1G>C on transcript NM_004183.4 (MANE Select); the canonical splice acceptor site of the intron before coding-DNA position 1101, G replaced by C.
Molecular consequence: splice acceptor variant.
Genome position (GRCh38, 1-based): chr11:61,962,254, G>C. VCF-style: chr11-61962254-G-C. GRCh37 (hg19) VCF-style: chr11-61729726-G-C.
Other names: c.783-1G>C (NM_001363591.3); c.687-1G>C (NM_001440576.1); c.129-1G>C (NM_001363593.3); c.1304-1G>C (NM_001363592.2); c.1101-1G>C (NM_001440571.1); c.1020-1G>C (NM_001440572.1); c.948-1G>C (NM_001440573.1); c.921-1G>C (NM_001139443.3, NM_001300787.2); and 2 more.
Identifiers: ClinVar variation 2024709 (VCV002024709.6), dbSNP rs2541412514, ClinGen allele CA380847062.

ClinVar aggregate classification (germline): Likely pathogenic. Review status: criteria provided, multiple submitters, no conflicts (2 of 4 stars). 2 submissions from 2 submitters: Likely pathogenic (2). Last evaluated 2025-02-07.

Submissions (2):

Dasa
Classification: Likely pathogenic. Last evaluated: 2025-02-07. Review status: criteria provided, single submitter. Criteria: DASA Assertion Criteria. Collection method: clinical testing. Allele origin: germline.
Comment: NM_004183.4(BEST1):c.1101-1G>C affects a canonical splice site and is predicted to disrupt normal RNA splicing. Loss of function is an established disease mechanism for BEST1-associated disorders. Also, this variant is absent from population databases. Based on the currently available evidence, this variant is classified as likely pathogenic.

Labcorp Genetics (formerly Invitae), Labcorp
Classification: Likely pathogenic. Last evaluated: 2022-11-15. Review status: criteria provided, single submitter. Criteria: Invitae Variant Classification Sherloc (09022015). Collection method: clinical testing. Allele origin: germline.
Comment: This variant has not been reported in the literature in individuals affected with BEST1-related conditions. This sequence change affects an acceptor splice site in intron 9 of the BEST1 gene. It is expected to disrupt RNA splicing. Variants that disrupt the donor or acceptor splice site typically lead to a loss of protein function (PMID: 16199547), and loss-of-function variants in BEST1 are known to be pathogenic (PMID: 21825197). This variant is not present in population databases (gnomAD no frequency). Algorithms developed to predict the effect of sequence changes on RNA splicing suggest that this variant may disrupt the consensus splice site. In summary, the currently available evidence indicates that the variant is pathogenic, but additional data are needed to prove that conclusively. Therefore, this variant has been classified as Likely Pathogenic.

Literature cited by the submitters: PubMed 16199547 (cited by Labcorp Genetics (formerly Invitae), Labcorp); PubMed 21825197 (cited by Labcorp Genetics (formerly Invitae), Labcorp).